The following is an entry in ClinVar:

ClinVar aggregate classification (germline): Uncertain significance (0 of 4 stars; one submission).

Conditions:
PLXNA2-related disorder. Also called: PLXNA2-related condition.

Allele frequency attached by ClinVar (database versions not stated): gnomAD 0.00001; TOPMed 0.00002.
gnomAD v4.1: 2 of 1,613,384 alleles (0.00012%); highest among the groups gnomAD compares: African/African-American, 0.0027%; no homozygotes.

Submission:

PreventionGenetics, part of Exact Sciences
Classification: Uncertain significance for PLXNA2-related condition. Last evaluated: 2023-12-27. Review status: no assertion criteria provided. Collection method: clinical testing. Allele origin: germline.
Comment: The PLXNA2 c.5504A>G variant is predicted to result in the amino acid substitution p.Glu1835Gly. To our knowledge, this variant has not been reported in the literature or in a large population database, indicating this variant is rare. At this time, the clinical significance of this variant is uncertain due to the absence of conclusive functional and genetic evidence.

NM_025179.4(PLXNA2):c.5504A>G (p.Glu1835Gly)

Gene: PLXNA2 (plexin A2; minus strand). Cytogenetic location: 1q32.2.
Variant type: single nucleotide variant.
Coding change: c.5504A>G on transcript NM_025179.4 (MANE Select); coding-DNA position 5504, A replaced by G.
Protein change: p.Glu1835Gly; replaces glutamic acid 1835 with glycine.
Molecular consequence: missense variant.
Genome position (GRCh38, 1-based): chr1:208,028,094, T>C on the plus strand (A>G on the coding strand, the complement: PLXNA2 is on the minus strand). VCF-style: chr1-208028094-T-C. GRCh37 (hg19) VCF-style: chr1-208201439-T-C.
Other names: short protein forms E1835G.
Identifiers: ClinVar variation 3056490 (VCV003056490.2), dbSNP rs970655950, ClinGen allele CA36685126.